The following is an entry in ClinVar:

ClinVar aggregate classification (germline): Conflicting classifications of pathogenicity. Review status: criteria provided, conflicting classifications (1 of 4 stars). 3 submissions from 3 submitters: Uncertain significance (2); Likely benign (1). Last evaluated 2025-07-31.

Conditions:
Ullrich congenital muscular dystrophy 2 (UCMD2). Identifiers: Orphanet 75840, MedGen C4225314, MONDO:0014654, OMIM 616470.
Bethlem myopathy 2 (BTHLM2). Identifiers: Orphanet 536516, Orphanet 610, MedGen C4225313, MONDO:0034022, OMIM 616471.
Inborn genetic diseases. Identifiers: MedGen C0950123, MeSH D030342.

Allele frequency attached by ClinVar (database versions not stated): gnomAD 0.00001; TOPMed 0.00003.
gnomAD v4.1: 19 of 1,612,978 alleles (0.0012%); highest among the groups gnomAD compares: Middle Eastern, 0.049%; no homozygotes.

Submissions (3):

Ambry Genetics
Classification: Uncertain significance for Inborn genetic diseases. Last evaluated: 2025-07-31. Review status: criteria provided, single submitter. Criteria: Ambry Variant Classification Scheme 2023. Collection method: clinical testing. Allele origin: germline.

GeneDx
Classification: Uncertain significance. Last evaluated: 2024-12-26. Review status: criteria provided, single submitter. Criteria: GeneDx Variant Classification Process June 2021. Collection method: clinical testing. Allele origin: germline. Affected: yes.
Comment: Has not been previously published as pathogenic or benign to our knowledge; In silico analysis indicates that this missense variant does not alter protein structure/function

Labcorp Genetics (formerly Invitae), Labcorp
Classification: Likely benign for Bethlem myopathy 2; Ullrich congenital muscular dystrophy 2. Last evaluated: 2024-05-07. Review status: criteria provided, single submitter. Criteria: Invitae Variant Classification Sherloc (09022015). Collection method: clinical testing. Allele origin: germline.

NM_004370.6(COL12A1):c.433G>A (p.Val145Met)

Gene: COL12A1 (collagen type XII alpha 1 chain; minus strand). Cytogenetic location: 6q13.
Variant type: single nucleotide variant.
Coding change: c.433G>A on transcript NM_004370.6 (MANE Select); coding-DNA position 433, G replaced by A.
Protein change: p.Val145Met; replaces valine 145 with methionine.
Molecular consequence: missense variant. On other transcripts: intron variant (1).
Genome position (GRCh38, 1-based): chr6:75,189,777, C>T on the plus strand (G>A on the coding strand, the complement: COL12A1 is on the minus strand). VCF-style: chr6-75189777-C-T. GRCh37 (hg19) VCF-style: chr6-75899493-C-T.
Other names: c.73+12943G>A (NM_080645.3); c.433G>A (NM_004370.5); short protein forms V145M.
Identifiers: ClinVar variation 1915499 (VCV001915499.7), dbSNP rs750624029, ClinGen allele CA3894424.